The following is an entry in ClinVar:

NM_002691.4(POLD1):c.2843A>G (p.His948Arg)

Gene: POLD1 (DNA polymerase delta 1, catalytic subunit; plus strand). Cytogenetic location: 19q13.33.
Variant type: single nucleotide variant.
Coding change: c.2843A>G on transcript NM_002691.4 (MANE Select); coding-DNA position 2843, A replaced by G.
Protein change: p.His948Arg; replaces histidine 948 with arginine.
Molecular consequence: missense variant. On other transcripts: non-coding transcript variant (1).
Genome position (GRCh38, 1-based): chr19:50,416,418, A>G. VCF-style: chr19-50416418-A-G. GRCh37 (hg19) VCF-style: chr19-50919675-A-G.
Other names: c.2843A>G (NM_002691.2); c.2843A>G, p.His948Arg (NM_001256849.1); c.2921A>G, p.His974Arg (NM_001308632.1); short protein forms H948R, H974R.
Identifiers: ClinVar variation 1366690 (VCV001366690.9), dbSNP rs2122490261, ClinGen allele CA406986271.

ClinVar aggregate classification (germline): Uncertain significance. Review status: criteria provided, multiple submitters, no conflicts (2 of 4 stars). 2 submissions from 2 submitters: Uncertain significance (2). Last evaluated 2024-04-29.

Conditions:
POLD1-related polyposis and colorectal cancer syndrome (CRCS10). Also called: Colorectal cancer, susceptibility to, 10; Colorectal cancer 10; COLORECTAL CANCER, SUSCEPTIBILITY TO, ON CHROMOSOME 19q. Identifiers: Orphanet 220460, MedGen C2675481, MONDO:0012953, OMIM 612591.
Hereditary cancer-predisposing syndrome. Also called: Tumor predisposition; Hereditary Cancer Syndrome; Hereditary neoplastic syndrome; Neoplastic Syndromes, Hereditary. Identifiers: Orphanet 140162, MedGen C0027672, MeSH D009386, MONDO:0015356.

Submissions (2):

Ambry Genetics
Classification: Uncertain significance for Hereditary cancer-predisposing syndrome. Last evaluated: 2024-04-29. Review status: criteria provided, single submitter. Criteria: Ambry Variant Classification Scheme 2023. Collection method: clinical testing. Allele origin: germline.
Comment: The p.H948R variant (also known as c.2843A>G), located in coding exon 22 of the POLD1 gene, results from an A to G substitution at nucleotide position 2843. The histidine at codon 948 is replaced by arginine, an amino acid with highly similar properties. This amino acid position is conserved. In addition, this alteration is predicted to be tolerated by in silico analysis. Based on the available evidence, the clinical significance of this variant remains unclear.

Labcorp Genetics (formerly Invitae), Labcorp
Classification: Uncertain significance for POLD1-related polyposis and colorectal cancer syndrome. Last evaluated: 2021-01-25. Review status: criteria provided, single submitter. Criteria: Invitae Variant Classification Sherloc (09022015). Collection method: clinical testing. Allele origin: germline.
Comment: This sequence change replaces histidine with arginine at codon 948 of the POLD1 protein (p.His948Arg). The histidine residue is weakly conserved and there is a small physicochemical difference between histidine and arginine. This variant is not present in population databases (ExAC no frequency). This variant has not been reported in the literature in individuals with POLD1-related conditions. Algorithms developed to predict the effect of missense changes on protein structure and function are either unavailable or do not agree on the potential impact of this missense change (SIFT: "Deleterious"; PolyPhen-2: "Possibly Damaging"; Align-GVGD: "Class C0"). In summary, the available evidence is currently insufficient to determine the role of this variant in disease. Therefore, it has been classified as a Variant of Uncertain Significance.